The following is an entry in ClinVar:

ClinVar aggregate classification (germline): Uncertain significance (1 of 4 stars; one submission).

Submission:

Ambry Genetics
Classification: Uncertain significance. Last evaluated: 2026-08-04. Review status: criteria provided, single submitter. Criteria: Ambry Variant Classification Scheme 2023. Collection method: clinical testing. Allele origin: germline.
Comment: The c.905G>A (p.G302D) alteration is located in exon 1 (coding exon 1) of the OR4C11 gene. This alteration results from a G to A substitution at nucleotide position 905, causing the glycine (G) at amino acid position 302 to be replaced by an aspartic acid (D). Based on data from gnomAD, the A allele has an overall frequency of 0.007% (14/203212) total alleles studied. The highest observed frequency was 0.015% (14/96500) of European (non-Finnish) alleles. Based on insufficient or conflicting evidence, the clinical significance of this alteration remains unclear.

NM_001004700.3(OR4C11):c.905G>A (p.Gly302Asp)

Gene: OR4C11 (olfactory receptor family 4 subfamily C member 11; minus strand). Cytogenetic location: 11q11.
Variant type: single nucleotide variant.
Coding change: c.905G>A on transcript NM_001004700.3 (MANE Select); coding-DNA position 905, G replaced by A.
Protein change: p.Gly302Asp; replaces glycine 302 with aspartic acid.
Molecular consequence: missense variant.
Genome position (GRCh38, 1-based): chr11:55,603,469, C>T on the plus strand (G>A on the coding strand, the complement: OR4C11 is on the minus strand). VCF-style: chr11-55603469-C-T. GRCh37 (hg19) VCF-style: chr11-55370945-C-T.
Other names: short protein forms G302D.
Identifiers: ClinVar variation 5026094 (VCV005026094.1).